The following is an entry in ClinVar:

NM_001267550.2(TTN):c.14256G>A (p.Lys4752=)

Gene: TTN (titin; minus strand). Cytogenetic location: 2q31.2.
Variant type: single nucleotide variant.
Coding change: c.14256G>A on transcript NM_001267550.2 (MANE Select); coding-DNA position 14256, G replaced by A.
Protein change: p.Lys4752=; no amino-acid change (lysine 4752 retained).
Molecular consequence: synonymous variant.
Genome position (GRCh38, 1-based): chr2:178,738,197, C>T on the plus strand (G>A on the coding strand, the complement: TTN is on the minus strand). VCF-style: chr2-178738197-C-T. GRCh37 (hg19) VCF-style: chr2-179602924-C-T.
Other names: c.13305G>A, p.Lys4435= (NM_001256850.1); c.13167G>A, p.Lys4389= (NM_003319.4); c.10524G>A, p.Lys3508= (NM_133378.4); c.13542G>A, p.Lys4514= (NM_133432.3); c.13743G>A, p.Lys4581= (NM_133437.4).
Identifiers: ClinVar variation 700131 (VCV000700131.14), dbSNP rs755888927, ClinGen allele CA2002440.

ClinVar aggregate classification (germline): Likely benign. Review status: criteria provided, multiple submitters, no conflicts (2 of 4 stars). 3 submissions from 3 submitters: Likely benign (3). Last evaluated 2026-09-01.

Conditions:
Dilated cardiomyopathy 1G (CMD1G). Identifiers: Orphanet 154, MedGen C1858763, MONDO:0011400, OMIM 604145.
Autosomal recessive limb-girdle muscular dystrophy type 2J (LGMDR10). Also called: Limb-girdle muscular dystrophy, type 2J; MUSCULAR DYSTROPHY, LIMB-GIRDLE, AUTOSOMAL RECESSIVE 10. Identifiers: Orphanet 140922, MedGen C1837342, MONDO:0012127, OMIM 608807.
Cardiovascular phenotype. Identifiers: MedGen CN230736.

Allele frequency attached by ClinVar (database versions not stated): gnomAD exomes below 0.00001; ExAC 0.00001; gnomAD 0.00002; TOPMed 0.00002.
gnomAD v4.1: 8 of 1,613,598 alleles (0.0005%); highest among the groups gnomAD compares: Middle Eastern, 0.016%; no homozygotes.

Submissions (3):

CeGaT Center for Human Genetics Tuebingen
Classification: Likely benign. Last evaluated: 2026-09-01. Review status: criteria provided, single submitter. Criteria: CeGaT Center For Human Genetics Tuebingen Variant Classification Criteria Version 2. Collection method: clinical testing. Allele origin: germline. Affected: yes. Observed: 1 variant allele.
Comment: TTN: BP4, BP7

Labcorp Genetics (formerly Invitae), Labcorp
Classification: Likely benign for Dilated cardiomyopathy 1G; Autosomal recessive limb-girdle muscular dystrophy type 2J. Last evaluated: 2025-02-17. Review status: criteria provided, single submitter. Criteria: Invitae Variant Classification Sherloc (09022015). Collection method: clinical testing. Allele origin: germline.

Ambry Genetics
Classification: Likely benign for Cardiovascular phenotype. Last evaluated: 2019-08-20. Review status: criteria provided, single submitter. Criteria: Ambry Variant Classification Scheme 2023. Collection method: clinical testing. Allele origin: germline.